The following is an entry in ClinVar:

NM_006204.4(PDE6C):c.1071+5G>A

Gene: PDE6C (phosphodiesterase 6C; plus strand). Cytogenetic location: 10q23.33.
Variant type: single nucleotide variant.
Coding change: c.1071+5G>A on transcript NM_006204.4 (MANE Select); 5 bases into the intron after coding-DNA position 1071, G replaced by A.
Molecular consequence: intron variant.
Genome position (GRCh38, 1-based): chr10:93,626,876, G>A. VCF-style: chr10-93626876-G-A. GRCh37 (hg19) VCF-style: chr10-95386633-G-A.
Identifiers: ClinVar variation 4535202 (VCV004535202.6).
Genomic context (GRCh38, chr10:93,626,876, plus strand): 5'-CAGACCACTGGACACTCATTAGTGGGTTGCCAACATATGTTGCTGAAAATGGATTTGTAA[G>A]TTATTGAACAAATTCAAATTTTAAATAATATTGCAAGAAACTCTTATTAGCTAAGAGATA-3'

ClinVar aggregate classification (germline): Uncertain significance (1 of 4 stars; one submission).

Submission:

CeGaT Center for Human Genetics Tuebingen
Classification: Uncertain significance. Last evaluated: 2025-11-01. Review status: criteria provided, single submitter. Criteria: CeGaT Center For Human Genetics Tuebingen Variant Classification Criteria Version 2. Collection method: clinical testing. Allele origin: germline. Affected: yes. Observed: 3 variant alleles.
Comment: PDE6C: PM2, PM3:Supporting, PP3